The following is an entry in ClinVar:

ClinVar aggregate classification (germline): Uncertain significance. Review status: criteria provided, multiple submitters, no conflicts (2 of 4 stars). 3 submissions from 3 submitters: Uncertain significance (3). Last evaluated 2026-03-04.

Conditions:
SCN11A-related disorder. Also called: SCN11A-related condition.
Inborn genetic diseases. Identifiers: MedGen C0950123, MeSH D030342.
Hereditary sensory and autonomic neuropathy type 7. Also called: HSAN VII; Neuropathy, hereditary sensory and autonomic, type VII. Identifiers: Orphanet 391397, MedGen C3809882, MONDO:0014244, OMIM 615548.
Familial episodic pain syndrome with predominantly lower limb involvement. Also called: Episodic pain syndrome, familial, 3. Identifiers: Orphanet 391384, Orphanet 391392, MedGen C3809899, MONDO:0014247, OMIM 615552.

Allele frequency attached by ClinVar (database versions not stated): ExAC 0.00002; gnomAD exomes 0.00002; gnomAD 0.00004; TOPMed 0.00006.
gnomAD v4.1: 40 of 1,614,098 alleles (0.0025%); highest among the groups gnomAD compares: Non-Finnish European, 0.0032%; no homozygotes.

Submissions (3):

PreventionGenetics, part of Exact Sciences
Classification: Uncertain significance for SCN11A-related condition. Last evaluated: 2026-03-04. Review status: criteria provided, single submitter. Criteria: ACMG Guidelines, 2015. Collection method: clinical testing. Allele origin: germline.
Comment: The SCN11A c.2530T>C variant is predicted to result in the amino acid substitution p.Cys844Arg. To our knowledge, this variant has not been reported in the literature. This variant is reported in 0.0054% of alleles in individuals of European (Non-Finnish) descent in gnomAD. At this time, the clinical significance of this variant is uncertain due to the absence of conclusive functional and genetic evidence.

Labcorp Genetics (formerly Invitae), Labcorp
Classification: Uncertain significance for Familial episodic pain syndrome with predominantly lower limb involvement; Hereditary sensory and autonomic neuropathy type 7. Last evaluated: 2025-06-20. Review status: criteria provided, single submitter. Criteria: Invitae Variant Classification Sherloc (09022015). Collection method: clinical testing. Allele origin: germline.
Comment: This sequence change replaces cysteine, which is neutral and slightly polar, with arginine, which is basic and polar, at codon 844 of the SCN11A protein (p.Cys844Arg). This variant is present in population databases (rs201598026, gnomAD 0.006%). This variant has not been reported in the literature in individuals affected with SCN11A-related conditions. ClinVar contains an entry for this variant (Variation ID: 474707). Invitae Evidence Modeling of protein sequence and biophysical properties (such as structural, functional, and spatial information, amino acid conservation, physicochemical variation, residue mobility, and thermodynamic stability) indicates that this missense variant is not expected to disrupt SCN11A protein function with a negative predictive value of 80%. In summary, the available evidence is currently insufficient to determine the role of this variant in disease. Therefore, it has been classified as a Variant of Uncertain Significance.

Ambry Genetics
Classification: Uncertain significance for Inborn genetic diseases. Last evaluated: 2025-05-01. Review status: criteria provided, single submitter. Criteria: Ambry Variant Classification Scheme 2023. Collection method: clinical testing. Allele origin: germline.

NM_001349253.2(SCN11A):c.2530T>C (p.Cys844Arg)

Gene: SCN11A (sodium voltage-gated channel alpha subunit 11; minus strand). Cytogenetic location: 3p22.2.
Variant type: single nucleotide variant.
Coding change: c.2530T>C on transcript NM_001349253.2 (MANE Select); coding-DNA position 2530, T replaced by C.
Protein change: p.Cys844Arg; replaces cysteine 844 with arginine.
Molecular consequence: missense variant.
Genome position (GRCh38, 1-based): chr3:38,894,838, A>G on the plus strand (T>C on the coding strand, the complement: SCN11A is on the minus strand). VCF-style: chr3-38894838-A-G. GRCh37 (hg19) VCF-style: chr3-38936329-A-G.
Other names: c.2530T>C, p.Cys844Arg (NM_014139.3); short protein forms C844R.
Identifiers: ClinVar variation 474707 (VCV000474707.11), dbSNP rs201598026, ClinGen allele CA2322020.